The following is an entry in ClinVar:

ClinVar aggregate classification (germline): Pathogenic. Review status: reviewed by expert panel (3 of 4 stars). 10 submissions from 10 submitters: Pathogenic (1). 9 of the submissions do not count toward it. Last evaluated 2016-10-18.

Conditions:
Breast-ovarian cancer, familial, susceptibility to, 2 (BROVCA2). Also called: BRCA2 Hereditary Breast and Ovarian Cancer. Identifiers: Orphanet 145, MedGen C2675520, MONDO:0012933, OMIM 612555. Disease mechanism: loss of function.
Hereditary breast ovarian cancer syndrome. Also called: BRCA1- and BRCA2-Associated Hereditary Breast and Ovarian Cancer; Hereditary breast and ovarian cancer; Breast and ovarian cancer; Hereditary breast and/or ovarian cancer syndrome; Hereditary breast and ovarian cancer syndrome; Hereditary breast and ovarian cancer syndrome (HBOC). Identifiers: Orphanet 145, MedGen C0677776, MeSH D061325, MONDO:0003582. Disease mechanism: loss of function.
Familial cancer of breast. Also called: hereditary breast carcinoma; BREAST CANCER, FAMILIAL; Hereditary breast cancer. Identifiers: Orphanet 227535, MedGen C0346153, MONDO:0016419, OMIM 114480. Disease mechanism: loss of function.
Hereditary cancer-predisposing syndrome. Also called: Hereditary neoplastic syndrome; Neoplastic Syndromes, Hereditary; Tumor predisposition; Hereditary Cancer Syndrome. Identifiers: Orphanet 140162, MedGen C0027672, MeSH D009386, MONDO:0015356.

Submissions (10):

Evidence-based Network for the Interpretation of Germline Mutant Alleles (ENIGMA)
Classification: Pathogenic for Breast-ovarian cancer, familial, susceptibility to, 2. Last evaluated: 2016-10-18. Review status: reviewed by expert panel. Criteria: ENIGMA BRCA1/2 Classification Criteria (2015). Collection method: curation. Allele origin: germline.
Comment: Variant allele predicted to encode a truncated non-functional protein.

Color Diagnostics, LLC DBA Color Health
Classification: Pathogenic for Hereditary cancer-predisposing syndrome. Last evaluated: 2025-09-15. Review status: criteria provided, single submitter. Criteria: ACMG Guidelines, 2015. Collection method: clinical testing. Allele origin: germline. Not counted in ClinVar's aggregate classification.
Comment: This variant inserts 1 nucleotide in exon 15 of the BRCA2 gene, creating a premature translation stop signal. This variant is expected to result in an absent or non-functional protein product. This variant has been reported in individuals with a personal or family history of BRCA2-related cancer (PMID: 29446198, 29486991). This variant has not been identified in the general population by the Genome Aggregation Database (gnomAD). Loss of BRCA2 function is a known mechanism of disease. Based on the available evidence, this variant is classified as Pathogenic.

Labcorp Genetics (formerly Invitae), Labcorp
Classification: Pathogenic for Hereditary breast ovarian cancer syndrome. Last evaluated: 2024-09-02. Review status: criteria provided, single submitter. Criteria: Invitae Variant Classification Sherloc (09022015). Collection method: clinical testing. Allele origin: germline. Not counted in ClinVar's aggregate classification.
Comment: This sequence change creates a premature translational stop signal (p.Lys2496*) in the BRCA2 gene. It is expected to result in an absent or disrupted protein product. Loss-of-function variants in BRCA2 are known to be pathogenic (PMID: 20104584). This variant is not present in population databases (gnomAD no frequency). This variant has not been reported in the literature in individuals affected with BRCA2-related conditions. ClinVar contains an entry for this variant (Variation ID: 267013). For these reasons, this variant has been classified as Pathogenic.

All of Us Research Program, National Institutes of Health
Classification: Pathogenic for Breast-ovarian cancer, familial, susceptibility to, 2. Last evaluated: 2023-10-23. Review status: criteria provided, single submitter. Criteria: ACMG Guidelines, 2015. Collection method: clinical testing. Allele origin: germline. Inheritance: Autosomal dominant inheritance. Observed: 1 variant allele, 1 heterozygote. Not counted in ClinVar's aggregate classification.
Comment: This variant inserts 1 nucleotide in exon 15 of the BRCA2 gene, creating a premature translation stop signal. This variant is expected to result in an absent or non-functional protein product. This variant has been reported in individuals with a personal or family history of BRCA2-related cancer (PMID: 29446198, 29486991). This variant has not been identified in the general population by the Genome Aggregation Database (gnomAD). Loss of BRCA2 function is a known mechanism of disease. Based on the available evidence, this variant is classified as Pathogenic.

This study involves interpretation of variants in research participants for the purpose of population health screening. Participant phenotype was not available at the time of variant classification. Additional details can be found in publication PMID: 35346344, PMCID: PMC8962531

Ambry Genetics
Classification: Pathogenic for Hereditary cancer-predisposing syndrome. Last evaluated: 2023-09-27. Review status: criteria provided, single submitter. Criteria: Ambry Variant Classification Scheme 2023. Collection method: clinical testing. Allele origin: germline. Not counted in ClinVar's aggregate classification.
Comment: The c.7485dupT pathogenic mutation, located in coding exon 14 of the BRCA2 gene, results from a duplication of T at nucleotide position 7485, causing a translational frameshift with a predicted alternate stop codon (p.K2496*). This mutation was identified in 4/1227 African American women with a personal and/or family history of breast, ovarian or gynecologic cancer who underwent germline genetic testing (Barrington DA et al. Gynecol. Oncol., 2018 05;149:337-340). This mutation was also identified in a large, worldwide study of BRCA1/2 mutation positive families (Rebbeck TR et al. Hum. Mutat., 2018 05;39:593-620). This variant is considered to be rare based on population cohorts in the Genome Aggregation Database (gnomAD). In addition to the clinical data presented in the literature, this alteration is expected to result in loss of function by premature protein truncation or nonsense-mediated mRNA decay. As such, this alteration is interpreted as a disease-causing mutation.

Baylor Genetics
Classification: Pathogenic for Familial cancer of breast. Last evaluated: 2022-03-30. Review status: criteria provided, single submitter. Criteria: ACMG Guidelines, 2015. Collection method: clinical testing. Allele origin: unknown. Not counted in ClinVar's aggregate classification.

GeneDx
Classification: Pathogenic. Last evaluated: 2022-02-25. Review status: criteria provided, single submitter. Criteria: GeneDx Variant Classification Process June 2021. Collection method: clinical testing. Allele origin: germline. Affected: yes. Not counted in ClinVar's aggregate classification.
Comment: Nonsense variant predicted to result in protein truncation or nonsense mediated decay in a gene for which loss-of-function is a known mechanism of disease; Not observed at significant frequency in large population cohorts (gnomAD); Truncating variants in this gene are considered pathogenic by a well-established clinical consortium and/or database; This variant is associated with the following publications: (PMID: 32427313)

Women's Health and Genetics/Laboratory Corporation of America, LabCorp
Classification: Pathogenic for Hereditary breast and ovarian cancer syndrome. Last evaluated: 2019-10-07. Review status: criteria provided, single submitter. Criteria: LabCorp Variant Classification Summary - May 2015. Collection method: clinical testing. Allele origin: germline. Not counted in ClinVar's aggregate classification.
Comment: Variant summary: BRCA2 c.7485dupT (p.Lys2496X) results in a premature termination codon, predicted to cause a truncation of the encoded protein or absence of the protein due to nonsense mediated decay, which are commonly known mechanisms for disease. The variant was absent in 251448 control chromosomes (gnomAD). The variant, c.7485dupT, has been reported in the literature in individuals affected with Hereditary Breast and Ovarian Cancer (Barrington_2018, Rebbeck_2018). These data indicate that the variant may be associated with disease. To our knowledge, no experimental evidence demonstrating an impact on protein function has been reported. . Four other ClinVar submissions (evaluation after 2014), including one expert panel (ENIGMA), cite this variant as pathogenic. Based on the evidence outlined above, the variant was classified as pathogenic.

Quest Diagnostics Nichols Institute San Juan Capistrano
Classification: Pathogenic. Last evaluated: 2019-02-04. Review status: criteria provided, single submitter. Criteria: Quest Diagnostics criteria. Collection method: clinical testing. Allele origin: germline. Not counted in ClinVar's aggregate classification.
Comment: The variant creates a premature nonsense codon, and is therefore predicted to result in the loss of a functional protein. Found in at least one symptomatic patient, and not found in general population data.

Consortium of Investigators of Modifiers of BRCA1/2 (CIMBA), c/o University of Cambridge
Classification: Pathogenic for Breast-ovarian cancer, familial, susceptibility to, 2. Last evaluated: 2015-10-02. Review status: criteria provided, single submitter. Criteria: CIMBA Mutation Classification guidelines May 2016. Collection method: clinical testing. Allele origin: germline. Not counted in ClinVar's aggregate classification.

Literature cited by the submitters: PubMed 29446198 (cited by 4 submitters); PubMed 29486991 (cited by 5 submitters); PubMed 20104584 (cited by Labcorp Genetics (formerly Invitae), Labcorp); PubMed 28744403 (cited by Women's Health and Genetics/Laboratory Corporation of America, LabCorp and Quest Diagnostics Nichols Institute San Juan Capistrano).

NM_000059.4(BRCA2):c.7485dup (p.Lys2496Ter)

Gene: BRCA2 (BRCA2 DNA repair associated; plus strand). Cytogenetic location: 13q13.1.
Variant type: Duplication.
Coding change: c.7485dup on transcript NM_000059.4 (MANE Select); coding-DNA position 7485, one base duplicated (T; older notation c.7485dupT).
Protein change: p.Lys2496Ter; replaces lysine 2496 with a stop codon.
Molecular consequence: nonsense.
Genome position (GRCh38, 1-based): chr13:32,356,477, T duplicated; the last of 2 consecutive T bases (chr13:32,356,476-32,356,477); duplicating either gives the same sequence. VCF-style (leftmost placement, unchanged base first): chr13-32356475-A-AT. GRCh37 (hg19) VCF-style: chr13-32930612-A-AT.
Other names: 7713insT; c.7485dupT (NM_000059.3); short protein forms K2496*.
Identifiers: ClinVar variation 267013 (VCV000267013.25), dbSNP rs886038171, ClinGen allele CA10589430.